The following is an entry in ClinVar:

ClinVar aggregate classification (germline): Uncertain significance (1 of 4 stars; one submission).

Submission:

Labcorp Genetics (formerly Invitae), Labcorp
Classification: Uncertain significance. Last evaluated: 2022-06-29. Review status: criteria provided, single submitter. Criteria: Invitae Variant Classification Sherloc (09022015). Collection method: clinical testing. Allele origin: germline.
Comment: In summary, the available evidence is currently insufficient to determine the role of this variant in disease. Therefore, it has been classified as a Variant of Uncertain Significance. Algorithms developed to predict the effect of sequence changes on RNA splicing suggest that this variant may disrupt the consensus splice site. Algorithms developed to predict the effect of missense changes on protein structure and function are either unavailable or do not agree on the potential impact of this missense change (SIFT: "Deleterious"; PolyPhen-2: "Probably Damaging"; Align-GVGD: "Class C0"). This variant has not been reported in the literature in individuals affected with LRAT-related conditions. This variant is not present in population databases (gnomAD no frequency). This sequence change replaces lysine, which is basic and polar, with threonine, which is neutral and polar, at codon 186 of the LRAT protein (p.Lys186Thr).

NM_004744.5(LRAT):c.557A>C (p.Lys186Thr)

Gene: LRAT (lecithin retinol acyltransferase; plus strand). Cytogenetic location: 4q32.1.
Variant type: single nucleotide variant.
Coding change: c.557A>C on transcript NM_004744.5 (MANE Select); coding-DNA position 557, A replaced by C.
Protein change: p.Lys186Thr; replaces lysine 186 with threonine.
Molecular consequence: missense variant.
Genome position (GRCh38, 1-based): chr4:154,749,000, A>C. VCF-style: chr4-154749000-A-C. GRCh37 (hg19) VCF-style: chr4-155670152-A-C.
Other names: c.557A>C, p.Lys186Thr (NM_001301645.2); short protein forms K186T.
Identifiers: ClinVar variation 2012315 (VCV002012315.4), dbSNP rs2529983379, ClinGen allele CA358630962.
Genomic context (GRCh38, chr4:154,749,000, plus strand): 5'-GGGTTTAGCCACCTTTCCTAATTTTCCAATATTTTATTTTCCAGTTTTGTGAGACTGTGA[A>C]GATAATTATTCGTGATCAGAGAAGTGTTCTTGCTTCAGCAGTCTTGGGATTGGCGTCTAT-3'
Protein context (NP_004735.2, residues 176-196): PQSDKFCETV[Lys186Thr]IIIRDQRSVL